The following is an entry in ClinVar:

NM_198253.3(TERT):c.2262C>G (p.His754Gln)

Gene: TERT (telomerase reverse transcriptase; minus strand). Cytogenetic location: 5p15.33.
Variant type: single nucleotide variant.
Coding change: c.2262C>G on transcript NM_198253.3 (MANE Select); coding-DNA position 2262, C replaced by G.
Protein change: p.His754Gln; replaces histidine 754 with glutamine.
Molecular consequence: missense variant. On other transcripts: non-coding transcript variant (2).
Genome position (GRCh38, 1-based): chr5:1,278,665, G>C on the plus strand (C>G on the coding strand, the complement: TERT is on the minus strand). VCF-style: chr5-1278665-G-C. GRCh37 (hg19) VCF-style: chr5-1278780-G-C.
Other names: c.2262C>G, p.His754Gln (NM_001193376.3, NM_003219.1); short protein forms H754Q.
Identifiers: ClinVar variation 1961729 (VCV001961729.2), dbSNP rs778622091, ClinGen allele CA359078855.

ClinVar aggregate classification (germline): Uncertain significance (1 of 4 stars; one submission).

Conditions:
Idiopathic Pulmonary Fibrosis. Also called: Idiopathic fibrosing alveolitis, chronic form; idiopathic fibrosing alveolitis. Identifiers: Orphanet 2032, MedGen C1800706, MeSH D054990, MONDO:0800504.
Dyskeratosis congenita, autosomal dominant 2. Identifiers: MedGen C3151443, MONDO:0013521, OMIM 613989.

Submission:

Labcorp Genetics (formerly Invitae), Labcorp
Classification: Uncertain significance for Dyskeratosis congenita, autosomal dominant 2; Idiopathic Pulmonary Fibrosis. Last evaluated: 2022-02-21. Review status: criteria provided, single submitter. Criteria: Invitae Variant Classification Sherloc (09022015). Collection method: clinical testing. Allele origin: germline.
Comment: This sequence change replaces histidine, which is basic and polar, with glutamine, which is neutral and polar, at codon 754 of the TERT protein (p.His754Gln). This variant is not present in population databases (gnomAD no frequency). This variant has not been reported in the literature in individuals affected with TERT-related conditions. Advanced modeling of protein sequence and biophysical properties (such as structural, functional, and spatial information, amino acid conservation, physicochemical variation, residue mobility, and thermodynamic stability) performed at Invitae indicates that this missense variant is not expected to disrupt TERT protein function. Algorithms developed to predict the effect of sequence changes on RNA splicing suggest that this variant may create or strengthen a splice site. In summary, the available evidence is currently insufficient to determine the role of this variant in disease. Therefore, it has been classified as a Variant of Uncertain Significance.